The following is an entry in ClinVar:

ClinVar aggregate classification (germline): Uncertain significance (1 of 4 stars; one submission).

gnomAD v4.1: 1 of 1,611,744 alleles (0.000062%); highest among the groups gnomAD compares: Non-Finnish European, 0.000085%; no homozygotes.

Submission:

GeneDx
Classification: Uncertain significance. Last evaluated: 2023-11-27. Review status: criteria provided, single submitter. Criteria: GeneDx Variant Classification Process June 2021. Collection method: clinical testing. Allele origin: germline. Affected: yes.
Comment: Not observed at significant frequency in large population cohorts (gnomAD); In silico analysis supports that this missense variant has a deleterious effect on protein structure/function; Has not been previously published as pathogenic or benign to our knowledge

NM_005052.3(RAC3):c.536C>A (p.Pro179Gln)

Gene: RAC3 (Rac family small GTPase 3; plus strand). Cytogenetic location: 17q25.3.
Variant type: single nucleotide variant.
Coding change: c.536C>A on transcript NM_005052.3 (MANE Select); coding-DNA position 536, C replaced by A.
Protein change: p.Pro179Gln; replaces proline 179 with glutamine.
Molecular consequence: missense variant. On other transcripts: 3 prime UTR variant (1).
Genome position (GRCh38, 1-based): chr17:82,033,786, C>A. VCF-style: chr17-82033786-C-A. GRCh37 (hg19) VCF-style: chr17-79991662-C-A.
Other names: c.*27C>A (NM_001316307.2); short protein forms P179Q.
Identifiers: ClinVar variation 3364872 (VCV003364872.1).